The following is an entry in ClinVar:

NM_000718.4(CACNA1B):c.6468G>A (p.Gln2156=)

Gene: CACNA1B (calcium voltage-gated channel subunit alpha1 B; plus strand). Cytogenetic location: 9q34.3.
Variant type: single nucleotide variant.
Coding change: c.6468G>A on transcript NM_000718.4 (MANE Select); coding-DNA position 6468, G replaced by A.
Protein change: p.Gln2156=; no amino-acid change (glutamine 2156 retained).
Molecular consequence: synonymous variant.
Genome position (GRCh38, 1-based): chr9:138,120,860, G>A. VCF-style: chr9-138120860-G-A. GRCh37 (hg19) VCF-style: chr9-141015312-G-A.
Other names: c.6468G>A, p.Gln2156= (NM_001243812.2).
Identifiers: ClinVar variation 2158866 (VCV002158866.9), dbSNP rs200653483, ClinGen allele CA5377717.

ClinVar aggregate classification (germline): Benign/Likely benign. Review status: criteria provided, multiple submitters, no conflicts (2 of 4 stars). 3 submissions from 3 submitters: Benign (1); Likely benign (2). Last evaluated 2026-02-01.

Allele frequency attached by ClinVar (database versions not stated): TOPMed 0.00003; gnomAD 0.00010; 1000 Genomes Project 30x 0.00047; 1000 Genomes Project 0.00060; ExAC 0.00143.
gnomAD v4.1: 251 of 1,572,406 alleles (0.016%); highest among the groups gnomAD compares: South Asian, 0.28%; 2 homozygotes.

Submissions (3):

CeGaT Center for Human Genetics Tuebingen
Classification: Likely benign. Last evaluated: 2026-02-01. Review status: criteria provided, single submitter. Criteria: CeGaT Center For Human Genetics Tuebingen Variant Classification Criteria Version 2. Collection method: clinical testing. Allele origin: germline. Affected: yes. Observed: 1 variant allele.
Comment: CACNA1B: BP4, BP7

Labcorp Genetics (formerly Invitae), Labcorp
Classification: Benign. Last evaluated: 2025-12-08. Review status: criteria provided, single submitter. Criteria: Invitae Variant Classification Sherloc (09022015). Collection method: clinical testing. Allele origin: germline.

Blueprint Genetics
Classification: Likely benign. Last evaluated: 2024-07-11. Review status: criteria provided, single submitter. Criteria: ACMG Guidelines, 2015. Collection method: clinical testing. Allele origin: germline.